The following is an entry in ClinVar:

NM_000059.4(BRCA2):c.3710C>G (p.Ala1237Gly)

Gene: BRCA2 (BRCA2 DNA repair associated; plus strand). Cytogenetic location: 13q13.1.
Variant type: single nucleotide variant.
Coding change: c.3710C>G on transcript NM_000059.4 (MANE Select); coding-DNA position 3710, C replaced by G.
Protein change: p.Ala1237Gly; replaces alanine 1237 with glycine.
Molecular consequence: missense variant. On other transcripts: non-coding transcript variant (1), intron variant (2).
Genome position (GRCh38, 1-based): chr13:32,338,065, C>G. VCF-style: chr13-32338065-C-G. GRCh37 (hg19) VCF-style: chr13-32912202-C-G.
Other names: c.3710C>G, p.Ala1237Gly (NM_001406719.1, NM_001406720.1, NM_001432077.1); c.1909+4678C>G (NM_001406721.1); c.425-6493C>G (NM_001406722.1); short protein forms A1237G.
Identifiers: ClinVar variation 3482101 (VCV003482101.1).

ClinVar aggregate classification (germline): Uncertain significance (1 of 4 stars; one submission).

Conditions:
Hereditary cancer-predisposing syndrome. Also called: Tumor predisposition; Neoplastic Syndromes, Hereditary; Hereditary Cancer Syndrome; Hereditary neoplastic syndrome. Identifiers: Orphanet 140162, MedGen C0027672, MeSH D009386, MONDO:0015356.

Submission:

Ambry Genetics
Classification: Uncertain significance for Hereditary cancer-predisposing syndrome. Last evaluated: 2024-09-19. Review status: criteria provided, single submitter. Criteria: Ambry Variant Classification Scheme 2023. Collection method: clinical testing. Allele origin: germline.
Comment: The p.A1237G variant (also known as c.3710C>G), located in coding exon 10 of the BRCA2 gene, results from a C to G substitution at nucleotide position 3710. The alanine at codon 1237 is replaced by glycine, an amino acid with similar properties. This amino acid position is conserved. In addition, the in silico prediction for this alteration is inconclusive. Based on the available evidence, the clinical significance of this variant remains unclear.